The following is an entry in ClinVar:

ClinVar aggregate classification (germline): Uncertain significance (1 of 4 stars; one submission).

Conditions:
DICER1-related tumor predisposition. Also called: DICER1 syndrome; DICER1-related pleuropulmonary blastoma cancer predisposition syndrome. Identifiers: Orphanet 284343, MedGen C3839822, MONDO:0100216.

Submission:

Labcorp Genetics (formerly Invitae), Labcorp
Classification: Uncertain significance for DICER1-related tumor predisposition. Last evaluated: 2020-04-10. Review status: criteria provided, single submitter. Criteria: Invitae Variant Classification Sherloc (09022015). Collection method: clinical testing. Allele origin: germline.
Comment: This sequence change replaces glutamine with lysine at codon 105 of the DICER1 protein (p.Gln105Lys). The glutamine residue is moderately conserved and there is a small physicochemical difference between glutamine and lysine. This variant is not present in population databases (ExAC no frequency). This variant has not been reported in the literature in individuals with DICER1-related conditions. Algorithms developed to predict the effect of missense changes on protein structure and function (SIFT, PolyPhen-2, Align-GVGD) all suggest that this variant is likely to be tolerated, but these predictions have not been confirmed by published functional studies and their clinical significance is uncertain. In summary, the available evidence is currently insufficient to determine the role of this variant in disease. Therefore, it has been classified as a Variant of Uncertain Significance.

NM_177438.3(DICER1):c.313C>A (p.Gln105Lys)

Gene: DICER1 (dicer 1, ribonuclease III; minus strand). Cytogenetic location: 14q32.13.
Variant type: single nucleotide variant.
Coding change: c.313C>A on transcript NM_177438.3 (MANE Select); coding-DNA position 313, C replaced by A.
Protein change: p.Gln105Lys; replaces glutamine 105 with lysine.
Molecular consequence: missense variant.
Genome position (GRCh38, 1-based): chr14:95,131,634, G>T on the plus strand (C>A on the coding strand, the complement: DICER1 is on the minus strand). VCF-style: chr14-95131634-G-T. GRCh37 (hg19) VCF-style: chr14-95597971-G-T.
Other names: c.313C>A, p.Gln105Lys (NM_001195573.1, NM_001271282.3, NM_001291628.2 and 1 more transcripts); short protein forms Q105K.
Identifiers: ClinVar variation 860537 (VCV000860537.11), dbSNP rs1893961345, ClinGen allele CA390889499.